The following is an entry in ClinVar:

NM_001378615.1(CC2D2A):c.1082del (p.Pro361fs)

Genes: CC2D2A (coiled-coil and C2 domain containing 2A; plus strand), FBXL5 (F-box and leucine rich repeat protein 5; minus strand). Cytogenetic location: 4p15.32.
Variant type: Deletion.
Coding change: c.1082del on transcript NM_001378615.1 (MANE Select); coding-DNA position 1082, one base deleted (C; older notation c.1082delC).
Protein change: p.Pro361fs; shifts the reading frame from proline 361.
Molecular consequence: frameshift variant.
Genome position (GRCh38, 1-based): chr4:15,516,689, C deleted; the last of 2 consecutive C bases (chr4:15,516,688-15,516,689); deleting either gives the same sequence. VCF-style (leftmost placement, unchanged base first): chr4-15516687-TC-T. GRCh37 (hg19) VCF-style: chr4-15518310-TC-T.
Other names: c.1082del, p.Pro361fs (NM_001080522.2); c.935del, p.Pro312fs (NM_001378617.1); short protein forms P312fs, P361fs.
Identifiers: ClinVar variation 3590270 (VCV003590270.2).

ClinVar aggregate classification (germline): Pathogenic/Likely pathogenic. Review status: criteria provided, multiple submitters, no conflicts (2 of 4 stars). 2 submissions from 2 submitters: Pathogenic (1); Likely pathogenic (1). Last evaluated 2024-02-28.

Conditions:
Retinitis pigmentosa 93. Identifiers: MedGen C5676970, MONDO:0030797, OMIM 619845.
COACH syndrome 2. Identifiers: MedGen C5436837, MONDO:0030859, OMIM 619111.
Meckel syndrome, type 6. Identifiers: Orphanet 564, MedGen C2676790, MONDO:0012848, OMIM 612284.
Joubert syndrome 9 (JBTS9). Identifiers: Orphanet 2318, MedGen C2676788, MONDO:0012849, OMIM 612285.
Joubert syndrome and related disorders. Identifiers: Orphanet 140874, MedGen C5679612, MONDO:0015369.

Submissions (2):

Myriad Genetics, Inc.
Classification: Pathogenic for Joubert syndrome and related disorders. Last evaluated: 2024-02-28. Review status: criteria provided, single submitter. Criteria: Myriad Autosomal Dominant, Autosomal Recessive and X-Linked Classification Criteria (2023). Collection method: clinical testing. Allele origin: unknown.
Comment: NM_001080522.2(CC2D2A):c.1082delC(P361Lfs*7) is expected to be pathogenic in the context of CC2D2A-related disorders. This variant is predicted to lead to an abnormal or absent protein product due to the creation of a premature termination codon in CC2D2A, a gene where loss-of-function variants are known to be pathogenic. Please note: this variant was assessed in the context of healthy population screening.

Fulgent Genetics
Classification: Likely pathogenic for Meckel syndrome, type 6; Joubert syndrome 9; COACH syndrome 2; Retinitis pigmentosa 93. Last evaluated: 2024-01-04. Review status: criteria provided, single submitter. Criteria: ACMG Guidelines, 2015. Collection method: clinical testing. Allele origin: germline.